The following is an entry in ClinVar:

NM_201596.3(CACNB2):c.1624C>G (p.Arg542Gly)

Gene: CACNB2 (calcium voltage-gated channel auxiliary subunit beta 2; plus strand). Cytogenetic location: 10p12.31.
Variant type: single nucleotide variant.
Coding change: c.1624C>G on transcript NM_201596.3 (MANE Select); coding-DNA position 1624, C replaced by G.
Protein change: p.Arg542Gly; replaces arginine 542 with glycine.
Molecular consequence: missense variant.
Genome position (GRCh38, 1-based): chr10:18,539,365, C>G. VCF-style: chr10-18539365-C-G. GRCh37 (hg19) VCF-style: chr10-18828294-C-G.
Other names: c.1459C>G, p.Arg487Gly (NM_000724.4); c.1426C>G, p.Arg476Gly (NM_001167945.2); c.1345C>G, p.Arg449Gly (NM_001330060.2); c.1366C>G, p.Arg456Gly (NM_001410882.1); c.1480C>G, p.Arg494Gly (NM_201570.3); c.1540C>G, p.Arg514Gly (NM_201571.4); c.1468C>G, p.Arg490Gly (NM_201572.4); c.1462C>G, p.Arg488Gly (NM_201590.3); and 2 more; short protein forms R504G, R542G, R488G, R490G, R518G, R456G, R487G, R494G.
Identifiers: ClinVar variation 1773182 (VCV001773182.6), dbSNP rs750387227, ClinGen allele CA5430111.

ClinVar aggregate classification (germline): Uncertain significance. Review status: criteria provided, multiple submitters, no conflicts (2 of 4 stars). 2 submissions from 2 submitters: Uncertain significance (2). Last evaluated 2025-11-27.

Conditions:
Cardiovascular phenotype. Identifiers: MedGen CN230736.
Brugada syndrome 4 (BRGDA4). Identifiers: Orphanet 130, MedGen C2678477, MONDO:0012743, OMIM 611876.

Allele frequency attached by ClinVar (database versions not stated): TOPMed below 0.00001; ExAC 0.00001.
gnomAD v4.1: 19 of 1,614,118 alleles (0.0012%); highest among the groups gnomAD compares: Non-Finnish European, 0.0016%; no homozygotes.

Submissions (2):

Labcorp Genetics (formerly Invitae), Labcorp
Classification: Uncertain significance for Brugada syndrome 4. Last evaluated: 2025-11-27. Review status: criteria provided, single submitter. Criteria: Invitae Variant Classification Sherloc (09022015). Collection method: clinical testing. Allele origin: germline.
Comment: This sequence change replaces arginine, which is basic and polar, with glycine, which is neutral and non-polar, at codon 488 of the CACNB2 protein (p.Arg488Gly). This variant is present in population databases (rs750387227, gnomAD 0.0009%). This variant has not been reported in the literature in individuals affected with CACNB2-related conditions. ClinVar contains an entry for this variant (Variation ID: 1773182). Invitae Evidence Modeling of protein sequence and biophysical properties (such as structural, functional, and spatial information, amino acid conservation, physicochemical variation, residue mobility, and thermodynamic stability) indicates that this missense variant is not expected to disrupt CACNB2 protein function with a negative predictive value of 80%. In summary, the available evidence is currently insufficient to determine the role of this variant in disease. Therefore, it has been classified as a Variant of Uncertain Significance.

Ambry Genetics
Classification: Uncertain significance for Cardiovascular phenotype. Last evaluated: 2025-11-15. Review status: criteria provided, single submitter. Criteria: Ambry Variant Classification Scheme 2023. Collection method: clinical testing. Allele origin: germline.
Comment: The p.R488G variant (also known as c.1462C>G), located in coding exon 13 of the CACNB2 gene, results from a C to G substitution at nucleotide position 1462. The arginine at codon 488 is replaced by glycine, an amino acid with dissimilar properties. This amino acid position is conserved. In addition, the in silico prediction for this alteration is inconclusive. Since supporting evidence is limited at this time, the clinical significance of this alteration remains unclear.